The following is an entry in ClinVar:

ClinVar aggregate classification (germline): Uncertain significance (1 of 4 stars; one submission).

Conditions:
Cardiovascular phenotype. Identifiers: MedGen CN230736.

Allele frequency attached by ClinVar (database versions not stated): gnomAD 0.00001; gnomAD exomes 0.00001; TOPMed 0.00001.
gnomAD v4.1: 9 of 1,577,114 alleles (0.00057%); highest among the groups gnomAD compares: East Asian, 0.0022%; no homozygotes.

Submission:

Ambry Genetics
Classification: Uncertain significance for Cardiovascular phenotype. Last evaluated: 2020-12-21. Review status: criteria provided, single submitter. Criteria: Ambry Variant Classification Scheme 2023. Collection method: clinical testing. Allele origin: germline.
Comment: The p.R537H variant (also known as c.1610G>A), located in coding exon 14 of the PRDM5 gene, results from a G to A substitution at nucleotide position 1610. The arginine at codon 537 is replaced by histidine, an amino acid with highly similar properties. This amino acid position is highly conserved in available vertebrate species. In addition, the in silico prediction for this alteration is inconclusive. Since supporting evidence is limited at this time, the clinical significance of this alteration remains unclear.

NM_018699.4(PRDM5):c.1610G>A (p.Arg537His)

Gene: PRDM5 (PR/SET domain 5; minus strand). Cytogenetic location: 4q27.
Variant type: single nucleotide variant.
Coding change: c.1610G>A on transcript NM_018699.4 (MANE Select); coding-DNA position 1610, G replaced by A.
Protein change: p.Arg537His; replaces arginine 537 with histidine.
Molecular consequence: missense variant. On other transcripts: intron variant (1).
Genome position (GRCh38, 1-based): chr4:120,754,566, C>T on the plus strand (G>A on the coding strand, the complement: PRDM5 is on the minus strand). VCF-style: chr4-120754566-C-T. GRCh37 (hg19) VCF-style: chr4-121675721-C-T.
Other names: c.1517G>A, p.Arg506His (NM_001300823.2, NM_001379106.1); c.1643G>A, p.Arg548His (NM_001379104.1); c.1444+22622G>A (NM_001300824.2); short protein forms R548H, R506H, R537H.
Identifiers: ClinVar variation 1776382 (VCV001776382.2), dbSNP rs1246127390, ClinGen allele CA358206828.